The following is an entry in ClinVar:

NM_021629.4(GNB4):c.540C>G (p.Phe180Leu)

Gene: GNB4 (G protein subunit beta 4; minus strand). Cytogenetic location: 3q26.33.
Variant type: single nucleotide variant.
Coding change: c.540C>G on transcript NM_021629.4 (MANE Select); coding-DNA position 540, C replaced by G.
Protein change: p.Phe180Leu; replaces phenylalanine 180 with leucine.
Molecular consequence: missense variant.
Genome position (GRCh38, 1-based): chr3:179,413,571, G>C on the plus strand (C>G on the coding strand, the complement: GNB4 is on the minus strand). VCF-style: chr3-179413571-G-C. GRCh37 (hg19) VCF-style: chr3-179131359-G-C.
Other names: short protein forms F180L.
Identifiers: ClinVar variation 2695364 (VCV002695364.3), dbSNP rs759431955, ClinGen allele CA2712466.

ClinVar aggregate classification (germline): Uncertain significance (1 of 4 stars; one submission).

Conditions:
Charcot-Marie-Tooth disease dominant intermediate F. Identifiers: Orphanet 352670, MedGen C4749463, MONDO:0014074, OMIM 615185.

Allele frequency attached by ClinVar (database versions not stated): ExAC 0.00001; gnomAD exomes 0.00001.
gnomAD v4.1: 5 of 1,614,162 alleles (0.00031%); highest among the groups gnomAD compares: Non-Finnish European, 0.00042%; no homozygotes.

Submission:

Labcorp Genetics (formerly Invitae), Labcorp
Classification: Uncertain significance for Charcot-Marie-Tooth disease dominant intermediate F. Last evaluated: 2023-12-17. Review status: criteria provided, single submitter. Criteria: Invitae Variant Classification Sherloc (09022015). Collection method: clinical testing. Allele origin: germline.
Comment: This sequence change replaces phenylalanine, which is neutral and non-polar, with leucine, which is neutral and non-polar, at codon 180 of the GNB4 protein (p.Phe180Leu). This variant is present in population databases (rs759431955, gnomAD 0.0009%). This variant has not been reported in the literature in individuals affected with GNB4-related conditions. Advanced modeling of protein sequence and biophysical properties (such as structural, functional, and spatial information, amino acid conservation, physicochemical variation, residue mobility, and thermodynamic stability) performed at Invitae indicates that this missense variant is not expected to disrupt GNB4 protein function with a negative predictive value of 80%. In summary, the available evidence is currently insufficient to determine the role of this variant in disease. Therefore, it has been classified as a Variant of Uncertain Significance.